The following is an entry in ClinVar:

ClinVar aggregate classification (germline): Conflicting classifications of pathogenicity. Review status: criteria provided, conflicting classifications (1 of 4 stars). 2 submissions from 2 submitters: Uncertain significance (1); Likely benign (1). Last evaluated 2022-03-22.

Conditions:
Mitochondrial DNA depletion syndrome 9 (MTDPS9). Also called: SUCLG1-Related Mitochondrial DNA Depletion Syndrome, Encephalomyopathic Form with Methylmalonic Aciduria. Identifiers: Orphanet 17, MedGen C3151476, MONDO:0009504, OMIM 245400.

Allele frequency attached by ClinVar (database versions not stated): TOPMed below 0.00001; gnomAD 0.00001; gnomAD exomes 0.00001 and 0.00002; ExAC 0.00004.
gnomAD v4.1: 12 of 1,614,022 alleles (0.00074%); highest among the groups gnomAD compares: Non-Finnish European, 0.00093%; no homozygotes.

Submissions (2):

Labcorp Genetics (formerly Invitae), Labcorp
Classification: Uncertain significance for Mitochondrial DNA depletion syndrome 9. Last evaluated: 2022-03-22. Review status: criteria provided, single submitter. Criteria: Invitae Variant Classification Sherloc (09022015). Collection method: clinical testing. Allele origin: germline.
Comment: This sequence change replaces isoleucine, which is neutral and non-polar, with valine, which is neutral and non-polar, at codon 168 of the SUCLG1 protein (p.Ile168Val). In summary, the available evidence is currently insufficient to determine the role of this variant in disease. Therefore, it has been classified as a Variant of Uncertain Significance. Algorithms developed to predict the effect of missense changes on protein structure and function output the following: SIFT: "Tolerated"; PolyPhen-2: "Benign"; Align-GVGD: "Class C0". The valine amino acid residue is found in multiple mammalian species, which suggests that this missense change does not adversely affect protein function. ClinVar contains an entry for this variant (Variation ID: 203966). This variant has not been reported in the literature in individuals affected with SUCLG1-related conditions. This variant is present in population databases (rs763324017, gnomAD 0.004%).

GeneDx
Classification: Likely benign. Last evaluated: 2012-08-25. Review status: criteria provided, single submitter. Criteria: GeneDx Variant Classification (06012015). Collection method: clinical testing. Allele origin: germline. Affected: yes.
Comment: This variant is considered likely benign or benign based on one or more of the following criteria: it is a conservative change, it occurs at a poorly conserved position in the protein, it is predicted to be benign by multiple in silico algorithms, and/or has population frequency not consistent with disease.

NM_003849.4(SUCLG1):c.502A>G (p.Ile168Val)

Gene: SUCLG1 (succinate-CoA ligase GDP/ADP-forming subunit alpha; minus strand). Cytogenetic location: 2p11.2.
Variant type: single nucleotide variant.
Coding change: c.502A>G on transcript NM_003849.4 (MANE Select); coding-DNA position 502, A replaced by G.
Protein change: p.Ile168Val; replaces isoleucine 168 with valine.
Molecular consequence: missense variant.
Genome position (GRCh38, 1-based): chr2:84,441,276, T>C on the plus strand (A>G on the coding strand, the complement: SUCLG1 is on the minus strand). VCF-style: chr2-84441276-T-C. GRCh37 (hg19) VCF-style: chr2-84668400-T-C.
Other names: p.I168V:ATT>GTT; short protein forms I168V.
Identifiers: ClinVar variation 203966 (VCV000203966.4), dbSNP rs763324017, ClinGen allele CA313040.